The following is an entry in ClinVar:

ClinVar aggregate classification (germline): Conflicting classifications of pathogenicity. Review status: criteria provided, conflicting classifications (1 of 4 stars). 4 submissions from 4 submitters: Uncertain significance (2); Likely benign (2). Last evaluated 2025-10-16.

Conditions:
Metaphyseal anadysplasia 2 (MANDP2). Also called: Metaphyseal anadysplasia 2, autosomal recessive. Identifiers: Orphanet 1040, MedGen C2751322, MONDO:0013113, OMIM 613073.

Allele frequency attached by ClinVar (database versions not stated): ExAC 0.00045; 1000 Genomes Project 30x 0.00078; 1000 Genomes Project 0.00080; gnomAD 0.00118; TOPMed 0.00150.

Submissions (4):

Labcorp Genetics (formerly Invitae), Labcorp
Classification: Likely benign. Last evaluated: 2025-10-16. Review status: criteria provided, single submitter. Criteria: Invitae Variant Classification Sherloc (09022015). Collection method: clinical testing. Allele origin: germline.

GeneDx
Classification: Uncertain significance. Last evaluated: 2020-10-28. Review status: criteria provided, single submitter. Criteria: GeneDx Variant Classification Process June 2021. Collection method: clinical testing. Allele origin: germline. Affected: yes.
Comment: In silico analysis, which includes protein predictors and evolutionary conservation, supports that this variant does not alter protein structure/function; Has not been previously published as pathogenic or benign to our knowledge; This variant is associated with the following publications: (PMID: 30248431)

Eurofins Ntd Llc (ga)
Classification: Uncertain significance. Last evaluated: 2018-06-06. Review status: criteria provided, single submitter. Criteria: EGL ClinVar v180209 classification definitions. Collection method: clinical testing. Allele origin: germline. Observed: 1 variant allele, 1 heterozygote.

Illumina Laboratory Services, Illumina
Classification: Likely benign for Metaphyseal anadysplasia 2. Last evaluated: 2018-01-13. Review status: criteria provided, single submitter. Criteria: ICSL Variant Classification Criteria 13 December 2019. Collection method: clinical testing. Allele origin: germline.
Comment: This variant was observed in the ICSL laboratory as part of a predisposition screen in an ostensibly healthy population. It had not been previously curated by ICSL or reported in the Human Gene Mutation Database (HGMD: prior to June 1st, 2018), and was therefore a candidate for classification through an automated scoring system. Utilizing variant allele frequency, disease prevalence and penetrance estimates, and inheritance mode, an automated score was calculated to assess if this variant is too frequent to cause the disease. Based on the score and internal cut-off values, a variant classified as likely benign is not then subjected to further curation. The score for this variant resulted in a classification of likely benign for this disease.

NM_004994.3(MMP9):c.1891C>A (p.Arg631Ser)

Genes: MMP9 (matrix metallopeptidase 9; plus strand), SLC12A5-AS1 (SLC12A5 and MMP9 antisense RNA 1; minus strand), LOC130065978 (ATAC-STARR-seq lymphoblastoid silent region 12969; plus strand). Cytogenetic location: 20q13.12.
Variant type: single nucleotide variant.
Coding change: c.1891C>A on transcript NM_004994.3 (MANE Select); coding-DNA position 1891, C replaced by A.
Protein change: p.Arg631Ser; replaces arginine 631 with serine.
Molecular consequence: missense variant. On other transcripts: non-coding transcript variant (1).
Genome position (GRCh38, 1-based): chr20:46,014,264, C>A. VCF-style: chr20-46014264-C-A. GRCh37 (hg19) VCF-style: chr20-44642903-C-A.
Other names: short protein forms R631S.
Identifiers: ClinVar variation 338558 (VCV000338558.21), dbSNP rs201280938, ClinGen allele CA9886847.